The following is an entry in ClinVar:

NM_015001.3(SPEN):c.2319A>G (p.Arg773=)

Gene: SPEN (spen family transcriptional repressor; plus strand). Cytogenetic location: 1p36.13.
Variant type: single nucleotide variant.
Coding change: c.2319A>G on transcript NM_015001.3 (MANE Select); coding-DNA position 2319, A replaced by G.
Protein change: p.Arg773=; no amino-acid change (arginine 773 retained).
Molecular consequence: synonymous variant.
Genome position (GRCh38, 1-based): chr1:15,928,559, A>G. VCF-style: chr1-15928559-A-G. GRCh37 (hg19) VCF-style: chr1-16255054-A-G.
Identifiers: ClinVar variation 3350949 (VCV003350949.1).

ClinVar aggregate classification (germline): Likely benign (0 of 4 stars; one submission).

Conditions:
SPEN-related disorder. Also called: SPEN-related condition.

gnomAD v4.1: 2 of 1,614,202 alleles (0.00012%); highest among the groups gnomAD compares: Admixed American, 0.0033%; no homozygotes.

Submission:

PreventionGenetics, part of Exact Sciences
Classification: Likely benign for SPEN-related condition. Last evaluated: 2024-06-12. Review status: no assertion criteria provided. Collection method: clinical testing. Allele origin: germline.
Comment: This variant is classified as likely benign based on ACMG/AMP sequence variant interpretation guidelines (Richards et al. 2015 PMID: 25741868, with internal and published modifications).